The following is an entry in ClinVar:

NM_000075.4(CDK4):c.-19-9_-19-8del

Gene: CDK4 (cyclin dependent kinase 4; minus strand). Cytogenetic location: 12q14.1.
Variant type: Microsatellite.
Coding change: c.-19-9_-19-8del on transcript NM_000075.4 (MANE Select); 9 bases into the intron before 19 bases upstream of the start codon through 8 bases into the intron before 19 bases upstream of the start codon, 2 bases deleted (TG; older notation c.-19-9_-19-8delTG).
Molecular consequence: intron variant.
Genome position (GRCh38, 1-based): chr12:57,751,744-57,751,745, CA deleted on the plus strand (TG on the coding strand, the reverse complement: CDK4 is on the minus strand); deleting any 2 consecutive bases within chr12:57,751,744-57,751,747 gives the same sequence; the c. name uses the placement nearest the transcript's 3' end. VCF-style (leftmost placement, unchanged base first): chr12-57751743-TCA-T. GRCh37 (hg19) VCF-style: chr12-58145526-TCA-T.
Other names: c.-19-9_-19-8delTG (NM_000075.4).
Identifiers: ClinVar variation 1692134 (VCV001692134.4), dbSNP rs1378433780, ClinGen allele CA385549421.

ClinVar aggregate classification (germline): Conflicting classifications of pathogenicity. Review status: criteria provided, conflicting classifications (1 of 4 stars). 3 submissions from 3 submitters: Uncertain significance (1); Likely benign (2). Last evaluated 2025-03-04.

Conditions:
Hereditary cancer-predisposing syndrome. Also called: Hereditary Cancer Syndrome; Hereditary neoplastic syndrome; Neoplastic Syndromes, Hereditary; Tumor predisposition. Identifiers: Orphanet 140162, MedGen C0027672, MeSH D009386, MONDO:0015356.

Submissions (3):

Center for Genomic Medicine, Rigshospitalet, Copenhagen University Hospital
Classification: Likely benign. Last evaluated: 2025-03-04. Review status: criteria provided, single submitter. Criteria: ACMG Guidelines, 2015. Collection method: clinical testing. Allele origin: germline.

GeneDx
Classification: Uncertain significance. Last evaluated: 2024-09-17. Review status: criteria provided, single submitter. Criteria: GeneDx Variant Classification Process June 2021. Collection method: clinical testing. Allele origin: germline. Affected: yes.
Comment: Not observed at significant frequency in large population cohorts (gnomAD); Has not been previously published as pathogenic or benign to our knowledge; In silico analysis is inconclusive as to whether the variant alters gene splicing. In the absence of RNA/functional studies, the actual effect of this sequence change is unknown.

Sema4
Classification: Likely benign for Hereditary cancer-predisposing syndrome. Last evaluated: 2020-09-03. Review status: criteria provided, single submitter. Criteria: Sema4 Curation Guidelines. Collection method: curation. Allele origin: germline.